The following is an entry in ClinVar:

NM_000297.4(PKD2):c.245G>C (p.Cys82Ser)

Genes: PKD2 (polycystin 2, transient receptor potential cation channel; plus strand), LOC129992813 (ATAC-STARR-seq lymphoblastoid silent region 15559; plus strand). Cytogenetic location: 4q22.1.
Variant type: single nucleotide variant.
Coding change: c.245G>C on transcript NM_000297.4 (MANE Select); coding-DNA position 245, G replaced by C.
Protein change: p.Cys82Ser; replaces cysteine 82 with serine.
Molecular consequence: missense variant. On other transcripts: non-coding transcript variant (1).
Genome position (GRCh38, 1-based): chr4:88,007,978, G>C. VCF-style: chr4-88007978-G-C. GRCh37 (hg19) VCF-style: chr4-88929130-G-C.
Other names: short protein forms C82S.
Identifiers: ClinVar variation 663892 (VCV000663892.9), dbSNP rs1239434721, ClinGen allele CA357625850.

ClinVar aggregate classification (germline): Uncertain significance (1 of 4 stars; one submission).

Conditions:
Autosomal dominant polycystic kidney disease. Identifiers: Orphanet 730, MedGen C0085413, MONDO:0004691.

Submission:

Labcorp Genetics (formerly Invitae), Labcorp
Classification: Uncertain significance for Autosomal dominant polycystic kidney disease. Last evaluated: 2023-07-06. Review status: criteria provided, single submitter. Criteria: Invitae Variant Classification Sherloc (09022015). Collection method: clinical testing. Allele origin: germline.
Comment: This variant has not been reported in the literature in individuals affected with PKD2-related conditions. This sequence change replaces cysteine, which is neutral and slightly polar, with serine, which is neutral and polar, at codon 82 of the PKD2 protein (p.Cys82Ser). This variant is not present in population databases (gnomAD no frequency). ClinVar contains an entry for this variant (Variation ID: 663892). An algorithm developed to predict the effect of missense changes on protein structure and function (PolyPhen-2) suggests that this variant is likely to be disruptive. In summary, the available evidence is currently insufficient to determine the role of this variant in disease. Therefore, it has been classified as a Variant of Uncertain Significance.